The following is an entry in ClinVar:

NM_004380.3(CREBBP):c.5315T>A (p.Ile1772Asn)

Gene: CREBBP (CREB binding protein; minus strand). Cytogenetic location: 16p13.3.
Variant type: single nucleotide variant.
Coding change: c.5315T>A on transcript NM_004380.3 (MANE Select); coding-DNA position 5315, T replaced by A.
Protein change: p.Ile1772Asn; replaces isoleucine 1772 with asparagine.
Molecular consequence: missense variant.
Genome position (GRCh38, 1-based): chr16:3,729,732, A>T on the plus strand (T>A on the coding strand, the complement: CREBBP is on the minus strand). VCF-style: chr16-3729732-A-T. GRCh37 (hg19) VCF-style: chr16-3779733-A-T.
Other names: c.5201T>A, p.Ile1734Asn (NM_001079846.1); short protein forms I1734N, I1772N.
Identifiers: ClinVar variation 1185935 (VCV001185935.3), dbSNP rs2151311733, ClinGen allele CA394557211.

ClinVar aggregate classification (germline): Likely pathogenic (1 of 4 stars; one submission).

Submission:

GeneDx
Classification: Likely pathogenic. Last evaluated: 2024-08-01. Review status: criteria provided, single submitter. Criteria: GeneDx Variant Classification Process June 2021. Collection method: clinical testing. Allele origin: germline. Affected: yes.
Comment: Not observed at significant frequency in large population cohorts (gnomAD); In silico analysis supports that this missense variant has a deleterious effect on protein structure/function; Has not been previously published as pathogenic or benign to our knowledge; This variant is associated with the following publications: (PMID: 27311832)